The following is an entry in ClinVar:

NM_005629.4(SLC6A8):c.15C>A (p.Ser5Arg)

Gene: SLC6A8 (solute carrier family 6 member 8; plus strand). Cytogenetic location: Xq28.
Variant type: single nucleotide variant.
Coding change: c.15C>A on transcript NM_005629.4 (MANE Select); coding-DNA position 15, C replaced by A.
Protein change: p.Ser5Arg; replaces serine 5 with arginine.
Molecular consequence: missense variant.
Genome position (GRCh38, 1-based): chrX:153,688,589, C>A. VCF-style: chrX-153688589-C-A. GRCh37 (hg19) VCF-style: chrX-152954044-C-A.
Other names: c.15C>A, p.Ser5Arg (NM_001142805.2); short protein forms S5R.
Identifiers: ClinVar variation 1187113 (VCV001187113.4), dbSNP rs1557043724, ClinGen allele CA415075876.

ClinVar aggregate classification (germline): Uncertain significance. Review status: criteria provided, multiple submitters, no conflicts (2 of 4 stars). 2 submissions from 2 submitters: Uncertain significance (2). Last evaluated 2024-04-25.

Conditions:
Creatine transporter deficiency (CCDS1). Also called: Creatine Transporter (CRTR) Deficiency; Mental retardation , X-linked with seizures, short stature and midface hypoplasia; Mental retardation , X-linked, with creatine transport deficiency; X-linked creatine transporter deficiency; X-linked creatine deficiency syndrome; SLC6A8-Related Creatine Transporter Deficiency. Identifiers: Orphanet 52503, MedGen C1845862, MONDO:0010305, OMIM 300352.

Submissions (2):

Labcorp Genetics (formerly Invitae), Labcorp
Classification: Uncertain significance for Creatine transporter deficiency. Last evaluated: 2024-04-25. Review status: criteria provided, single submitter. Criteria: Invitae Variant Classification Sherloc (09022015). Collection method: clinical testing. Allele origin: germline.
Comment: This sequence change replaces serine, which is neutral and polar, with arginine, which is basic and polar, at codon 5 of the SLC6A8 protein (p.Ser5Arg). This variant is not present in population databases (gnomAD no frequency). This variant has not been reported in the literature in individuals affected with SLC6A8-related conditions. ClinVar contains an entry for this variant (Variation ID: 1187113). Advanced modeling of protein sequence and biophysical properties (such as structural, functional, and spatial information, amino acid conservation, physicochemical variation, residue mobility, and thermodynamic stability) performed at Invitae indicates that this missense variant is not expected to disrupt SLC6A8 protein function with a negative predictive value of 95%. In summary, the available evidence is currently insufficient to determine the role of this variant in disease. Therefore, it has been classified as a Variant of Uncertain Significance.

GeneDx
Classification: Uncertain significance. Last evaluated: 2020-09-02. Review status: criteria provided, single submitter. Criteria: GeneDx Variant Classification Process June 2021. Collection method: clinical testing. Allele origin: germline. Affected: yes.
Comment: Not observed in large population cohorts (Lek et al., 2016); In silico analysis supports that this missense variant does not alter protein structure/function; Has not been previously published as pathogenic or benign to our knowledge